The following is an entry in ClinVar:

ClinVar aggregate classification (germline): Benign/Likely benign. Review status: criteria provided, multiple submitters, no conflicts (2 of 4 stars). 5 submissions from 5 submitters: Benign (2); Likely benign (3). Last evaluated 2025-06-04.

Conditions:
Hereditary cancer-predisposing syndrome. Also called: Neoplastic Syndromes, Hereditary; Hereditary neoplastic syndrome; Tumor predisposition; Hereditary Cancer Syndrome. Identifiers: Orphanet 140162, MedGen C0027672, MeSH D009386, MONDO:0015356.
Tuberous sclerosis 2 (TSC2). Identifiers: Orphanet 805, MedGen C1860707, MONDO:0013199, OMIM 613254.

Allele frequency attached by ClinVar (database versions not stated): gnomAD exomes below 0.00001.
gnomAD v4.1: 2 of 1,612,716 alleles (0.00012%); highest among the groups gnomAD compares: Non-Finnish European, 0.000085%; no homozygotes.

Submissions (5):

Myriad Genetics, Inc.
Classification: Benign for Tuberous sclerosis 2. Last evaluated: 2025-06-04. Review status: criteria provided, single submitter. Criteria: Myriad Autosomal Dominant, Autosomal Recessive and X-Linked Classification Criteria (2023). Collection method: clinical testing. Allele origin: unknown.
Comment: This variant is considered benign. This variant is a silent/synonymous amino acid change and it is not expected to impact splicing.

Labcorp Genetics (formerly Invitae), Labcorp
Classification: Likely benign for Tuberous sclerosis 2. Last evaluated: 2025-01-19. Review status: criteria provided, single submitter. Criteria: Invitae Variant Classification Sherloc (09022015). Collection method: clinical testing. Allele origin: germline.

Genome-Nilou Lab
Classification: Benign for Tuberous sclerosis 2. Last evaluated: 2021-11-07. Review status: criteria provided, single submitter. Criteria: ACMG Guidelines, 2015. Collection method: clinical testing. Allele origin: germline. Affected: no.

Ambry Genetics
Classification: Likely benign for Hereditary cancer-predisposing syndrome. Last evaluated: 2020-06-22. Review status: criteria provided, single submitter. Criteria: Ambry Variant Classification Scheme 2023. Collection method: clinical testing. Allele origin: germline.

GeneDx
Classification: Likely benign. Last evaluated: 2016-08-30. Review status: criteria provided, single submitter. Criteria: GeneDx Variant Classification (06012015). Collection method: clinical testing. Allele origin: germline. Affected: yes.
Comment: This variant is considered likely benign or benign based on one or more of the following criteria: it is a conservative change, it occurs at a poorly conserved position in the protein, it is predicted to be benign by multiple in silico algorithms, and/or has population frequency not consistent with disease.

NM_000548.5(TSC2):c.4684C>T (p.Leu1562=)

Gene: TSC2 (TSC complex subunit 2; plus strand). Cytogenetic location: 16p13.3.
Variant type: single nucleotide variant.
Coding change: c.4684C>T on transcript NM_000548.5 (MANE Select); coding-DNA position 4684, C replaced by T.
Protein change: p.Leu1562=; no amino-acid change (leucine 1562 retained).
Molecular consequence: synonymous variant.
Genome position (GRCh38, 1-based): chr16:2,086,214, C>T. VCF-style: chr16-2086214-C-T. GRCh37 (hg19) VCF-style: chr16-2136215-C-T.
Other names: c.4483C>T, p.Leu1495= (NM_001077183.3); c.4615C>T, p.Leu1539= (NM_001114382.3); c.4375C>T, p.Leu1459= (NM_001318827.2); c.4339C>T, p.Leu1447= (NM_001318829.2); c.3952C>T, p.Leu1318= (NM_001318831.2); c.4516C>T, p.Leu1506= (NM_001318832.2); c.4486C>T, p.Leu1496= (NM_001363528.2); c.4552C>T, p.Leu1518= (NM_001370404.1); and 1 more.
Identifiers: ClinVar variation 389020 (VCV000389020.15), dbSNP rs1057523304, ClinGen allele CA16608068.
Genomic context (GRCh38, chr16:2,086,214, plus strand): 5'-CGGGAGTGATGCCACCCTGCCTCTCCCCTCTCCCCACAGAGCAACAGCGAGCTCGCCATC[C>T]TGTCCAATGAGCATGGCTCCTACAGGTACACGGAGTTCCTGACGGGCCTGGGCCGGCTCA-3'
Protein context (NP_000539.2, residues 1552-1572): EGQSNSELAI[Leu1562=]SNEHGSYRYT